The following is an entry in ClinVar:

ClinVar aggregate classification (germline): Uncertain significance (1 of 4 stars; one submission).

Allele frequency attached by ClinVar (database versions not stated): ExAC 0.00001; gnomAD exomes 0.00001 and 0.00002; TOPMed 0.00001.
gnomAD v4.1: 7 of 1,604,852 alleles (0.00044%); highest among the groups gnomAD compares: East Asian, 0.011%; no homozygotes.

Submission:

Labcorp Genetics (formerly Invitae), Labcorp
Classification: Uncertain significance. Last evaluated: 2022-07-30. Review status: criteria provided, single submitter. Criteria: Invitae Variant Classification Sherloc (09022015). Collection method: clinical testing. Allele origin: germline.
Comment: This sequence change replaces valine, which is neutral and non-polar, with isoleucine, which is neutral and non-polar, at codon 108 of the POC1B protein (p.Val108Ile). This variant is present in population databases (rs766202849, gnomAD 0.02%). This variant has not been reported in the literature in individuals affected with POC1B-related conditions. ClinVar contains an entry for this variant (Variation ID: 1351750). Advanced modeling of protein sequence and biophysical properties (such as structural, functional, and spatial information, amino acid conservation, physicochemical variation, residue mobility, and thermodynamic stability) performed at Invitae indicates that this missense variant is not expected to disrupt POC1B protein function. In summary, the available evidence is currently insufficient to determine the role of this variant in disease. Therefore, it has been classified as a Variant of Uncertain Significance.

NM_172240.3(POC1B):c.322G>A (p.Val108Ile)

Genes: POC1B (POC1 centriolar protein B; minus strand), POC1B-DUSP6 (POC1B-DUSP6 readthrough; minus strand). Cytogenetic location: 12q21.33.
Variant type: single nucleotide variant.
Coding change: c.322G>A on transcript NM_172240.3 (MANE Select); coding-DNA position 322, G replaced by A.
Protein change: p.Val108Ile; replaces valine 108 with isoleucine.
Molecular consequence: missense variant. On other transcripts: non-coding transcript variant (2).
Genome position (GRCh38, 1-based): chr12:89,492,066, C>T on the plus strand (G>A on the coding strand, the complement: POC1B is on the minus strand). VCF-style: chr12-89492066-C-T. GRCh37 (hg19) VCF-style: chr12-89885843-C-T.
Other names: c.196G>A, p.Val66Ile (NM_001199777.2); short protein forms V108I, V66I.
Identifiers: ClinVar variation 1351750 (VCV001351750.8), dbSNP rs766202849, ClinGen allele CA6714543.